The following is an entry in ClinVar:

ClinVar aggregate classification (germline): Uncertain significance (1 of 4 stars; one submission).

Submission:

Labcorp Genetics (formerly Invitae), Labcorp
Classification: Uncertain significance. Last evaluated: 2022-07-23. Review status: criteria provided, single submitter. Criteria: Invitae Variant Classification Sherloc (09022015). Collection method: clinical testing. Allele origin: germline.
Comment: Algorithms developed to predict the effect of missense changes on protein structure and function are either unavailable or do not agree on the potential impact of this missense change (SIFT: "Deleterious"; PolyPhen-2: "Probably Damaging"; Align-GVGD: "Class C0"). This variant has not been reported in the literature in individuals affected with SCN3A-related conditions. This variant is not present in population databases (gnomAD no frequency). This sequence change replaces aspartic acid, which is acidic and polar, with asparagine, which is neutral and polar, at codon 1281 of the SCN3A protein (p.Asp1281Asn). In summary, the available evidence is currently insufficient to determine the role of this variant in disease. Therefore, it has been classified as a Variant of Uncertain Significance.

NM_006922.4(SCN3A):c.3841G>A (p.Asp1281Asn)

Gene: SCN3A (sodium voltage-gated channel alpha subunit 3; minus strand). Cytogenetic location: 2q24.3.
Variant type: single nucleotide variant.
Coding change: c.3841G>A on transcript NM_006922.4 (MANE Select); coding-DNA position 3841, G replaced by A.
Protein change: p.Asp1281Asn; replaces aspartic acid 1281 with asparagine.
Molecular consequence: missense variant.
Genome position (GRCh38, 1-based): chr2:165,112,887, C>T on the plus strand (G>A on the coding strand, the complement: SCN3A is on the minus strand). VCF-style: chr2-165112887-C-T. GRCh37 (hg19) VCF-style: chr2-165969397-C-T.
Other names: c.3694G>A, p.Asp1232Asn (NM_001081676.2, NM_001081677.2); short protein forms D1232N, D1281N.
Identifiers: ClinVar variation 1713548 (VCV001713548.5), dbSNP rs2468149088, ClinGen allele CA349031958.